The following is an entry in ClinVar:

ClinVar aggregate classification (germline): Uncertain significance. Review status: criteria provided, multiple submitters, no conflicts (2 of 4 stars). 3 submissions from 3 submitters: Uncertain significance (3). Last evaluated 2025-06-07.

Allele frequency attached by ClinVar (database versions not stated): TOPMed below 0.00001; ExAC 0.00001; gnomAD 0.00001; gnomAD exomes 0.00001 and 0.00002.
gnomAD v4.1: 11 of 1,614,014 alleles (0.00068%); highest among the groups gnomAD compares: Non-Finnish European, 0.00085%; no homozygotes.

Submissions (3):

Ambry Genetics
Classification: Uncertain significance. Last evaluated: 2025-06-07. Review status: criteria provided, single submitter. Criteria: Ambry Variant Classification Scheme 2023. Collection method: clinical testing. Allele origin: germline.

Blueprint Genetics
Classification: Uncertain significance. Last evaluated: 2024-09-09. Review status: criteria provided, single submitter. Criteria: ACMG Guidelines, 2015. Collection method: clinical testing. Allele origin: germline.

Labcorp Genetics (formerly Invitae), Labcorp
Classification: Uncertain significance. Last evaluated: 2022-10-17. Review status: criteria provided, single submitter. Criteria: Invitae Variant Classification Sherloc (09022015). Collection method: clinical testing. Allele origin: germline.
Comment: Advanced modeling of protein sequence and biophysical properties (such as structural, functional, and spatial information, amino acid conservation, physicochemical variation, residue mobility, and thermodynamic stability) performed at Invitae indicates that this missense variant is not expected to disrupt SEMA4A protein function. ClinVar contains an entry for this variant (Variation ID: 938162). This variant has not been reported in the literature in individuals affected with SEMA4A-related conditions. This variant is present in population databases (rs760471372, gnomAD 0.004%). This sequence change replaces alanine, which is neutral and non-polar, with serine, which is neutral and polar, at codon 585 of the SEMA4A protein (p.Ala585Ser). In summary, the available evidence is currently insufficient to determine the role of this variant in disease. Therefore, it has been classified as a Variant of Uncertain Significance.

NM_022367.4(SEMA4A):c.1753G>T (p.Ala585Ser)

Gene: SEMA4A (semaphorin 4A; plus strand). Cytogenetic location: 1q22.
Variant type: single nucleotide variant.
Coding change: c.1753G>T on transcript NM_022367.4 (MANE Select); coding-DNA position 1753, G replaced by T.
Protein change: p.Ala585Ser; replaces alanine 585 with serine.
Molecular consequence: missense variant.
Genome position (GRCh38, 1-based): chr1:156,176,464, G>T. VCF-style: chr1-156176464-G-T. GRCh37 (hg19) VCF-style: chr1-156146255-G-T.
Other names: c.1753G>T, p.Ala585Ser (NM_001193300.2, NM_001193301.2, NM_001370567.1); c.1357G>T, p.Ala453Ser (NM_001193302.2); c.1456G>T, p.Ala486Ser (NM_001370568.1); c.1246G>T, p.Ala416Ser (NM_001370569.1, NM_001370571.1); short protein forms A453S, A585S, A486S, A416S.
Identifiers: ClinVar variation 938162 (VCV000938162.11), dbSNP rs760471372, ClinGen allele CA1155460.